The following is an entry in ClinVar:

ClinVar aggregate classification (germline): Uncertain significance (1 of 4 stars; one submission).

Submission:

Labcorp Genetics (formerly Invitae), Labcorp
Classification: Uncertain significance. Last evaluated: 2025-12-16. Review status: criteria provided, single submitter. Criteria: Invitae Variant Classification Sherloc (09022015). Collection method: clinical testing. Allele origin: germline.
Comment: This sequence change replaces valine, which is neutral and non-polar, with leucine, which is neutral and non-polar, at codon 435 of the FH protein (p.Val435Leu). This variant is not present in population databases (gnomAD no frequency). This variant has not been reported in the literature in individuals affected with FH-related conditions. ClinVar contains an entry for this variant (Variation ID: 2736324). Invitae Evidence Modeling of protein sequence and biophysical properties (such as structural, functional, and spatial information, amino acid conservation, physicochemical variation, residue mobility, and thermodynamic stability) has been performed for this missense variant. However, the output from this modeling did not meet the statistical confidence thresholds required to predict the impact of this variant on FH protein function. In summary, the available evidence is currently insufficient to determine the role of this variant in disease. Therefore, it has been classified as a Variant of Uncertain Significance.

NM_000143.4(FH):c.1303G>C (p.Val435Leu)

Gene: FH (fumarate hydratase; minus strand). Cytogenetic location: 1q43.
Variant type: single nucleotide variant.
Coding change: c.1303G>C on transcript NM_000143.4 (MANE Select); coding-DNA position 1303, G replaced by C.
Protein change: p.Val435Leu; replaces valine 435 with leucine.
Molecular consequence: missense variant.
Genome position (GRCh38, 1-based): chr1:241,500,524, C>G on the plus strand (G>C on the coding strand, the complement: FH is on the minus strand). VCF-style: chr1-241500524-C-G. GRCh37 (hg19) VCF-style: chr1-241663824-C-G.
Other names: short protein forms V435L.
Identifiers: ClinVar variation 2736324 (VCV002736324.3), dbSNP rs147528200, ClinGen allele CA345436679.